The following is an entry in ClinVar:

NM_024753.5(TTC21B):c.2360A>G (p.Gln787Arg)

Gene: TTC21B (tetratricopeptide repeat domain 21B; minus strand). Cytogenetic location: 2q24.3.
Variant type: single nucleotide variant.
Coding change: c.2360A>G on transcript NM_024753.5 (MANE Select); coding-DNA position 2360, A replaced by G.
Protein change: p.Gln787Arg; replaces glutamine 787 with arginine.
Molecular consequence: missense variant.
Genome position (GRCh38, 1-based): chr2:165,911,428, T>C on the plus strand (A>G on the coding strand, the complement: TTC21B is on the minus strand). VCF-style: chr2-165911428-T-C. GRCh37 (hg19) VCF-style: chr2-166767938-T-C.
Other names: c.2360A>G (NM_024753.4); short protein forms Q787R.
Identifiers: ClinVar variation 1461691 (VCV001461691.6), dbSNP rs760057103, ClinGen allele CA1941848.

ClinVar aggregate classification (germline): Uncertain significance. Review status: criteria provided, multiple submitters, no conflicts (2 of 4 stars). 3 submissions from 3 submitters: Uncertain significance (3). Last evaluated 2024-12-02.

Conditions:
TTC21B-related disorder. Also called: TTC21B-related condition; TTC21B-related disorders.
Nephronophthisis. Also called: Juvenile Nephronophthisis. Identifiers: Orphanet 655, MedGen C0687120, MONDO:0019005, HP:0000090.
Jeune thoracic dystrophy. Also called: Short-rib thoracic dysplasia; Jeune syndrome; Infantile thoracic dystrophy; Thoracic pelvic phalangeal dystrophy; Jeune's syndrome; Chondroectodermal dysplasia-like syndrome. Identifiers: Orphanet 474, MedGen C0265275, MONDO:0018770.

Allele frequency attached by ClinVar (database versions not stated): gnomAD 0.00001; TOPMed 0.00001; gnomAD exomes 0.00004; ExAC 0.00008.
gnomAD v4.1: 17 of 1,613,730 alleles (0.0011%); highest among the groups gnomAD compares: Admixed American, 0.0017%; no homozygotes.

Submissions (3):

PreventionGenetics, part of Exact Sciences
Classification: Uncertain significance for TTC21B-related condition. Last evaluated: 2024-12-02. Review status: criteria provided, single submitter. Criteria: ACMG Guidelines, 2015. Collection method: clinical testing. Allele origin: germline.
Comment: The TTC21B c.2360A>G variant is predicted to result in the amino acid substitution p.Gln787Arg. To our knowledge, this variant has not been reported in the literature. This variant is reported in 0.0079% of alleles in individuals of European (Non-Finnish) descent in gnomAD. At this time, the clinical significance of this variant is uncertain due to the absence of conclusive functional and genetic evidence.

Labcorp Genetics (formerly Invitae), Labcorp
Classification: Uncertain significance for Jeune thoracic dystrophy; Nephronophthisis. Last evaluated: 2021-09-18. Review status: criteria provided, single submitter. Criteria: Invitae Variant Classification Sherloc (09022015). Collection method: clinical testing. Allele origin: germline.
Comment: In summary, the available evidence is currently insufficient to determine the role of this variant in disease. Therefore, it has been classified as a Variant of Uncertain Significance. Algorithms developed to predict the effect of missense changes on protein structure and function (SIFT, PolyPhen-2, Align-GVGD) all suggest that this variant is likely to be tolerated. This variant has not been reported in the literature in individuals affected with TTC21B-related conditions. This variant is present in population databases (rs760057103, ExAC 0.01%). This sequence change replaces glutamine with arginine at codon 787 of the TTC21B protein (p.Gln787Arg). The glutamine residue is highly conserved and there is a small physicochemical difference between glutamine and arginine.

Blueprint Genetics
Classification: Uncertain significance. Last evaluated: 2020-10-29. Review status: criteria provided, single submitter. Criteria: ACMG Guidelines, 2015. Collection method: clinical testing. Allele origin: germline.